The following is an entry in ClinVar:

NM_020975.6(RET):c.3233C>A (p.Thr1078Lys)

Gene: RET (ret proto-oncogene; plus strand). Cytogenetic location: 10q11.21.
Variant type: single nucleotide variant.
Coding change: c.3233C>A on transcript NM_020975.6 (MANE Select); coding-DNA position 3233, C replaced by A.
Protein change: p.Thr1078Lys; replaces threonine 1078 with lysine.
Molecular consequence: missense variant. On other transcripts: 3 prime UTR variant (18), intron variant (3).
Genome position (GRCh38, 1-based): chr10:43,128,157, C>A. VCF-style: chr10-43128157-C-A. GRCh37 (hg19) VCF-style: chr10-43623605-C-A.
Other names: c.*1403C>A (NM_001355216.2, NM_001406764.1, NM_001406765.1 and 15 more transcripts); c.3233C>A, p.Thr1078Lys (NM_001406743.1); c.3173C>A, p.Thr1058Lys (NM_001406759.1, NM_001406760.1); c.3104C>A, p.Thr1035Lys (NM_001406761.1, NM_001406762.1); c.3098C>A, p.Thr1033Lys (NM_001406763.1); c.2945C>A, p.Thr982Lys (NM_001406766.1, NM_001406767.1); c.2837C>A, p.Thr946Lys (NM_001406769.1); c.2795C>A, p.Thr932Lys (NM_001406771.1); and 10 more; short protein forms T1033K, T575K, T595K, T816K, T932K, T1035K, T836K, T946K.
Identifiers: ClinVar variation 3432238 (VCV003432238.1).

ClinVar aggregate classification (germline): Uncertain significance (1 of 4 stars; one submission).

Conditions:
Hereditary cancer-predisposing syndrome. Also called: Neoplastic Syndromes, Hereditary; Tumor predisposition; Hereditary Cancer Syndrome; Hereditary neoplastic syndrome. Identifiers: Orphanet 140162, MedGen C0027672, MeSH D009386, MONDO:0015356.

Submission:

Ambry Genetics
Classification: Uncertain significance for Hereditary cancer-predisposing syndrome. Last evaluated: 2024-07-24. Review status: criteria provided, single submitter. Criteria: Ambry Variant Classification Scheme 2023. Collection method: clinical testing. Allele origin: germline.
Comment: The p.T1078K variant (also known as c.3233C>A), located in coding exon 20 of the RET gene, results from a C to A substitution at nucleotide position 3233. The threonine at codon 1078 is replaced by lysine, an amino acid with similar properties. This amino acid position is conserved. In addition, the in silico prediction for this alteration is inconclusive. Based on the available evidence, the clinical significance of this variant remains unclear.